The following is an entry in ClinVar:

ClinVar aggregate classification (germline): Uncertain significance (1 of 4 stars; one submission).

Allele frequency attached by ClinVar (database versions not stated): ExAC 0.00001.
gnomAD v4.1: 4 of 1,610,332 alleles (0.00025%); highest among the groups gnomAD compares: South Asian, 0.0022%; no homozygotes.

Submission:

GeneDx
Classification: Uncertain significance. Last evaluated: 2022-06-06. Review status: criteria provided, single submitter. Criteria: GeneDx Variant Classification Process June 2021. Collection method: clinical testing. Allele origin: germline. Affected: yes.
Comment: Not observed at significant frequency in large population cohorts (gnomAD); In silico analysis supports that this missense variant does not alter protein structure/function; Has not been previously published as pathogenic or benign to our knowledge

NM_013275.6(ANKRD11):c.6590C>T (p.Thr2197Ile)

Gene: ANKRD11 (ankyrin repeat domain containing 11; minus strand). Cytogenetic location: 16q24.3.
Variant type: single nucleotide variant.
Coding change: c.6590C>T on transcript NM_013275.6 (MANE Select); coding-DNA position 6590, C replaced by T.
Protein change: p.Thr2197Ile; replaces threonine 2197 with isoleucine.
Molecular consequence: missense variant.
Genome position (GRCh38, 1-based): chr16:89,279,952, G>A on the plus strand (C>T on the coding strand, the complement: ANKRD11 is on the minus strand). VCF-style: chr16-89279952-G-A. GRCh37 (hg19) VCF-style: chr16-89346360-G-A.
Other names: c.6590C>T, p.Thr2197Ile (NM_001256182.2, NM_001256183.2); short protein forms T2197I.
Identifiers: ClinVar variation 1803680 (VCV001803680.1), dbSNP rs767358927, ClinGen allele CA8241393.